The following is an entry in ClinVar:

NM_001371727.1(GABRB2):c.1274G>C (p.Gly425Ala)

Gene: GABRB2 (gamma-aminobutyric acid type A receptor subunit beta2; minus strand). Cytogenetic location: 5q34.
Variant type: single nucleotide variant.
Coding change: c.1274G>C on transcript NM_001371727.1 (MANE Select); coding-DNA position 1274, G replaced by C.
Protein change: p.Gly425Ala; replaces glycine 425 with alanine.
Molecular consequence: missense variant.
Genome position (GRCh38, 1-based): chr5:161,294,346, C>G on the plus strand (G>C on the coding strand, the complement: GABRB2 is on the minus strand). VCF-style: chr5-161294346-C-G. GRCh37 (hg19) VCF-style: chr5-160721353-C-G.
Other names: c.1160G>C, p.Gly387Ala (NM_000813.3); c.1274G>C, p.Gly425Ala (NM_021911.3); short protein forms G387A, G425A.
Identifiers: ClinVar variation 1313745 (VCV001313745.5), dbSNP rs2113333823, ClinGen allele CA362173492.

ClinVar aggregate classification (germline): Uncertain significance. Review status: criteria provided, multiple submitters, no conflicts (2 of 4 stars). 2 submissions from 2 submitters: Uncertain significance (2). Last evaluated 2023-03-08.

Conditions:
Intellectual disability. Also called: intellectual disabilities; Intellectual functioning disability; Intellectual developmental disorder. Identifiers: MedGen C3714756, MeSH D008607, MONDO:0001071, HP:0001249.

Allele frequency attached by ClinVar (database versions not stated): gnomAD exomes below 0.00001.
gnomAD v4.1: 1 of 1,614,122 alleles (0.000062%); highest among the groups gnomAD compares: East Asian, 0.0022%; no homozygotes.

Submissions (2):

Labcorp Genetics (formerly Invitae), Labcorp
Classification: Uncertain significance for Intellectual disability. Last evaluated: 2023-03-08. Review status: criteria provided, single submitter. Criteria: Invitae Variant Classification Sherloc (09022015). Collection method: clinical testing. Allele origin: germline.
Comment: In summary, the available evidence is currently insufficient to determine the role of this variant in disease. Therefore, it has been classified as a Variant of Uncertain Significance. Advanced modeling of protein sequence and biophysical properties (such as structural, functional, and spatial information, amino acid conservation, physicochemical variation, residue mobility, and thermodynamic stability) has been performed at Invitae for this missense variant, however the output from this modeling did not meet the statistical confidence thresholds required to predict the impact of this variant on GABRB2 protein function. ClinVar contains an entry for this variant (Variation ID: 1313745). This missense change has been observed in individual(s) with clinical features of GABRB2-related conditions (Invitae). This variant is not present in population databases (gnomAD no frequency). This sequence change replaces glycine, which is neutral and non-polar, with alanine, which is neutral and non-polar, at codon 425 of the GABRB2 protein (p.Gly425Ala).

GeneDx
Classification: Uncertain significance. Last evaluated: 2020-02-18. Review status: criteria provided, single submitter. Criteria: GeneDx Variant Classification Process June 2021. Collection method: clinical testing. Allele origin: germline. Affected: yes.
Comment: Not observed in large population cohorts (Lek et al., 2016); In silico analysis supports that this missense variant does not alter protein structure/function; Has not been previously published as pathogenic or benign to our knowledge